The following is an entry in ClinVar:

ClinVar aggregate classification (germline): Conflicting classifications of pathogenicity. Review status: criteria provided, conflicting classifications (1 of 4 stars). 11 submissions from 11 submitters: Uncertain significance (3); Benign (1); Likely benign (5). 2 of the submissions do not count toward it. Last evaluated 2026-03-27.

Conditions:
TTN-related disorder. Also called: TTN-related condition; TTN-related disease; TTN-related disorders.
Cardiovascular phenotype. Identifiers: MedGen CN230736.
Autosomal recessive limb-girdle muscular dystrophy type 2J (LGMDR10). Also called: Limb-girdle muscular dystrophy, type 2J; MUSCULAR DYSTROPHY, LIMB-GIRDLE, AUTOSOMAL RECESSIVE 10. Identifiers: Orphanet 140922, MedGen C1837342, MONDO:0012127, OMIM 608807.
Dilated cardiomyopathy 1G (CMD1G). Identifiers: Orphanet 154, MedGen C1858763, MONDO:0011400, OMIM 604145.

Allele frequency attached by ClinVar (database versions not stated): gnomAD 0.00001 and 0.00006; TOPMed 0.00001; gnomAD exomes 0.00013 and 0.00030; ExAC 0.00035; 1000 Genomes Project 30x 0.00062; 1000 Genomes Project 0.00080.
gnomAD v4.1: 202 of 1,613,814 alleles (0.013%); highest among the groups gnomAD compares: South Asian, 0.2%; no homozygotes.

Submissions (11):

Molecular Diagnostic Laboratory for Inherited Cardiovascular Disease, Montreal Heart Institute
Classification: Likely benign. Last evaluated: 2026-03-27. Review status: criteria provided, single submitter. Criteria: ACMG Guidelines, 2015. Collection method: clinical testing. Allele origin: germline. Affected: no.
Comment: BS1;BP1

Labcorp Genetics (formerly Invitae), Labcorp
Classification: Likely benign for Dilated cardiomyopathy 1G; Autosomal recessive limb-girdle muscular dystrophy type 2J. Last evaluated: 2025-12-14. Review status: criteria provided, single submitter. Criteria: Invitae Variant Classification Sherloc (09022015). Collection method: clinical testing. Allele origin: germline.

PreventionGenetics, part of Exact Sciences
Classification: Likely benign for TTN-related condition. Last evaluated: 2025-07-31. Review status: criteria provided, single submitter. Criteria: ACMG Guidelines, 2015. Collection method: clinical testing. Allele origin: germline.
Comment: This variant is classified as likely benign based on ACMG/AMP sequence variant interpretation guidelines (Richards et al. 2015 PMID: 25741868, with internal and published modifications).

ARUP Laboratories, Molecular Genetics and Genomics, ARUP Laboratories
Classification: Uncertain significance. Last evaluated: 2024-08-11. Review status: criteria provided, single submitter. Criteria: ARUP Molecular Germline Variant Investigation Process 2024. Collection method: clinical testing. Allele origin: germline.
Comment: The TTN c.7758A>G; p.Ile2586Met variant is rare in the general population (<0.2% allele frequency in the Genome Aggregation Database) and has not been reported in the medical literature in association with dilated cardiomyopathy (DCM) or other TTN-related disease. The clinical relevance of rare missense variants in this gene, which are identified on average once per individual sequenced in affected populations (Herman 2012), is not well understood. While the clinical significance of such variants is considered uncertain, evidence suggests that the vast majority of missense variants do not contribute to the clinical outcome of DCM (Begay 2015). Given the available evidence, the clinical significance of the p.Ile2586Met variant cannot be determined with certainty. References: Begay RL et al. Role of Titin Missense Variants in Dilated Cardiomyopathy. J Am Heart Assoc. 2015 Nov 13;4(11). PMID: 26567375. Herman DS et al. Truncations of titin causing dilated cardiomyopathy. N Engl J Med. 2012 Feb 16;366(7):619-28. PMID: 22335739. Linke WA and Hamdani N. Gigantic business: titin properties and function through thick and thin. Circ Res 2014; 114(6): 1052-1068. PMID: 24625729.

CeGaT Center for Human Genetics Tuebingen
Classification: Uncertain significance. Last evaluated: 2024-06-01. Review status: criteria provided, single submitter. Criteria: CeGaT Center For Human Genetics Tuebingen Variant Classification Criteria Version 2. Collection method: clinical testing. Allele origin: germline. Affected: yes. Observed: 1 variant allele.
Comment: TTN: PM2

Revvity Omics, Revvity
Classification: Uncertain significance. Last evaluated: 2022-06-09. Review status: criteria provided, single submitter. Criteria: ACMG Guidelines, 2015. Collection method: clinical testing. Allele origin: germline.

Blueprint Genetics
Classification: Likely benign. Last evaluated: 2021-09-29. Review status: criteria provided, single submitter. Criteria: ACMG Guidelines, 2015. Collection method: clinical testing. Allele origin: germline.

Ambry Genetics
Classification: Benign for Cardiovascular phenotype. Last evaluated: 2020-09-18. Review status: criteria provided, single submitter. Criteria: Ambry Variant Classification Scheme 2023. Collection method: clinical testing. Allele origin: germline.

GeneDx
Classification: Likely benign. Last evaluated: 2019-03-04. Review status: criteria provided, single submitter. Criteria: GeneDx Variant Classification Process June 2021. Collection method: clinical testing. Allele origin: germline. Affected: yes.

Clinical Genetics DNA and cytogenetics Diagnostics Lab, Erasmus MC, Erasmus Medical Center
Classification: Uncertain significance. Review status: no assertion criteria provided. Collection method: clinical testing. Allele origin: germline. Affected: yes. Study: VKGL Data-share Consensus. Not counted in ClinVar's aggregate classification.

Diagnostic Laboratory, Department of Genetics, University Medical Center Groningen
Classification: Uncertain significance. Review status: no assertion criteria provided. Collection method: clinical testing. Allele origin: germline. Affected: yes. Study: VKGL Data-share Consensus. Not counted in ClinVar's aggregate classification.

NM_001267550.2(TTN):c.7758A>G (p.Ile2586Met)

Gene: TTN (titin; minus strand). Cytogenetic location: 2q31.2.
Variant type: single nucleotide variant.
Coding change: c.7758A>G on transcript NM_001267550.2 (MANE Select); coding-DNA position 7758, A replaced by G.
Protein change: p.Ile2586Met; replaces isoleucine 2586 with methionine.
Molecular consequence: missense variant.
Genome position (GRCh38, 1-based): chr2:178,773,206, T>C on the plus strand (A>G on the coding strand, the complement: TTN is on the minus strand). VCF-style: chr2-178773206-T-C. GRCh37 (hg19) VCF-style: chr2-179637933-T-C.
Other names: p.I2586M:ATA>ATG; c.7758A>G, p.Ile2586Met (NM_001256850.1, NM_133378.4, NM_133379.5); c.7620A>G, p.Ile2540Met (NM_003319.4, NM_133432.3, NM_133437.4); short protein forms I2586M, I2540M.
Identifiers: ClinVar variation 203155 (VCV000203155.41), dbSNP rs556000493, ClinGen allele CA311485.
Genomic context (GRCh38, chr2:178,773,206, plus strand): 5'-CGCGTAAAATGTGTATTTTCCTTCATCATCTTTCATCATATTTAGAACTGTCAATTTATA[T>C]ATTTTTCCATGTGCTTCAATTTTATATTTAGAACTGGGCTTGATTTCCTTGTCCTTAAAA-3'
Protein context (NP_001254479.2, residues 2576-2596): SKYKIEAHGK[Ile2586Met]YKLTVLNMMK